The following is an entry in ClinVar:

NM_004700.4(KCNQ4):c.682G>T (p.Gly228Cys)

Gene: KCNQ4 (potassium voltage-gated channel subfamily Q member 4; plus strand). Cytogenetic location: 1p34.2.
Variant type: single nucleotide variant.
Coding change: c.682G>T on transcript NM_004700.4 (MANE Select); coding-DNA position 682, G replaced by T.
Protein change: p.Gly228Cys; replaces glycine 228 with cysteine.
Molecular consequence: missense variant.
Genome position (GRCh38, 1-based): chr1:40,818,654, G>T. VCF-style: chr1-40818654-G-T. GRCh37 (hg19) VCF-style: chr1-41284326-G-T.
Other names: c.682G>T, p.Gly228Cys (NM_172163.3); short protein forms G228C.
Identifiers: ClinVar variation 504603 (VCV000504603.12), dbSNP rs367890569, ClinGen allele CA794594.
Genomic context (GRCh38, chr1:40,818,654, plus strand): 5'-TTCCTGCAGATCCTGCGCATGGTGCGCATGGACCGCCGCGGCGGCACCTGGAAGCTGCTG[G>T]GCTCAGTGGTCTACGCGCATAGCAAGGTGAGGCCTGCAAGCCGCGCGCGGAGACCCGAGG-3'
Protein context (NP_004691.2, residues 218-238): DRRGGTWKLL[Gly228Cys]SVVYAHSKEL

ClinVar aggregate classification (germline): Conflicting classifications of pathogenicity. Review status: criteria provided, conflicting classifications (1 of 4 stars). 6 submissions from 6 submitters: Likely pathogenic (1); Uncertain significance (5). Last evaluated 2025-09-02.

Conditions:
Autosomal dominant nonsyndromic hearing loss 2A. Also called: DFNA2 Nonsyndromic Hearing Loss; Deafness, autosomal dominant 2A; Autosomal dominant nonsyndromic deafness 2A. Identifiers: Orphanet 90635, MedGen C2677637, MONDO:0010817, OMIM 600101.

Allele frequency attached by ClinVar (database versions not stated): ExAC 0.00001; gnomAD exomes 0.00001 and 0.00003; gnomAD 0.00003; TOPMed 0.00003; ESP Exome Variant Server 0.00008.
gnomAD v4.1: 43 of 1,605,452 alleles (0.0027%); highest among the groups gnomAD compares: Non-Finnish European, 0.0035%; no homozygotes.

Submissions (6):

Labcorp Genetics (formerly Invitae), Labcorp
Classification: Uncertain significance. Last evaluated: 2025-09-02. Review status: criteria provided, single submitter. Criteria: Invitae Variant Classification Sherloc (09022015). Collection method: clinical testing. Allele origin: germline.
Comment: This sequence change replaces glycine, which is neutral and non-polar, with cysteine, which is neutral and slightly polar, at codon 228 of the KCNQ4 protein (p.Gly228Cys). This variant is present in population databases (rs367890569, gnomAD 0.005%). This missense change has been observed in individual(s) with deafness (PMID: 37009795). ClinVar contains an entry for this variant (Variation ID: 504603). Invitae Evidence Modeling of protein sequence and biophysical properties (such as structural, functional, and spatial information, amino acid conservation, physicochemical variation, residue mobility, and thermodynamic stability) has been performed for this missense variant. However, the output from this modeling did not meet the statistical confidence thresholds required to predict the impact of this variant on KCNQ4 protein function. Experimental studies are conflicting or provide insufficient evidence to determine the effect of this variant on KCNQ4 function (PMID: 37009795). In summary, the available evidence is currently insufficient to determine the role of this variant in disease. Therefore, it has been classified as a Variant of Uncertain Significance.

Mayo Clinic Laboratories, Mayo Clinic
Classification: Uncertain significance. Last evaluated: 2025-08-14. Review status: criteria provided, single submitter. Criteria: ACMG Guidelines, 2015. Collection method: clinical testing. Allele origin: germline. Observed: 1 variant allele.
Comment: PP3, PM2_moderate

Human Genetics Bochum, Ruhr University Bochum
Classification: Likely pathogenic for Autosomal dominant nonsyndromic hearing loss 2A. Last evaluated: 2025-08-13. Review status: criteria provided, single submitter. Criteria: ACMG Guidelines, 2015. Collection method: clinical testing. Allele origin: germline. Affected: yes.
Comment: ACMG criteria used to clasify this variant: PP3_STR, PM2_SUP, PM5_SUP

Genome-Nilou Lab
Classification: Uncertain significance for Autosomal dominant nonsyndromic hearing loss 2A. Last evaluated: 2023-04-11. Review status: criteria provided, single submitter. Criteria: ACMG Guidelines, 2015. Collection method: clinical testing. Allele origin: germline. Affected: no.

Fulgent Genetics
Classification: Uncertain significance for Autosomal dominant nonsyndromic hearing loss 2A. Last evaluated: 2018-10-31. Review status: criteria provided, single submitter. Criteria: ACMG Guidelines, 2015. Collection method: clinical testing. Allele origin: unknown.

Laboratory for Molecular Medicine, Mass General Brigham Personalized Medicine
Classification: Uncertain significance. Last evaluated: 2017-02-16. Review status: criteria provided, single submitter. Criteria: LMM Criteria. Collection method: clinical testing. Allele origin: germline. Observed: 1 variant allele.
Comment: The p.Gly228Cys variant in KCNQ4 has not been previously reported in individuals with hearing loss, but has been identified in 1/51990 European chromosomes by t he Exome Aggregation Consortium (ExAC; dbSNP rs3 67890569). Although this variant has been seen in the general population, its fr equency is not high enough to rule out a pathogenic role. Computational predicti on tools and conservation analysis suggest that the p.Gly228Cys variant may impa ct the protein, though this information is not predictive enough to determine pa thogenicity. In summary, the clinical significance of the p.Gly228Cys variant is uncertain.

Literature cited by the submitters: PubMed 37009795 (cited by Labcorp Genetics (formerly Invitae), Labcorp and Mayo Clinic Laboratories, Mayo Clinic).